The following is an entry in ClinVar:

NM_152703.5(SAMD9L):c.389A>G (p.Lys130Arg)

Gene: SAMD9L (sterile alpha motif domain containing 9 like; minus strand). Cytogenetic location: 7q21.2.
Variant type: single nucleotide variant.
Coding change: c.389A>G on transcript NM_152703.5 (MANE Select); coding-DNA position 389, A replaced by G.
Protein change: p.Lys130Arg; replaces lysine 130 with arginine.
Molecular consequence: missense variant.
Genome position (GRCh38, 1-based): chr7:93,135,583, T>C on the plus strand (A>G on the coding strand, the complement: SAMD9L is on the minus strand). VCF-style: chr7-93135583-T-C. GRCh37 (hg19) VCF-style: chr7-92764896-T-C.
Other names: c.389A>G, p.Lys130Arg (NM_001303496.3, NM_001303497.3, NM_001303498.3 and 5 more transcripts); c.389A>G (NM_152703.2); short protein forms K130R.
Identifiers: ClinVar variation 2632598 (VCV002632598.5), dbSNP rs977806632, ClinGen allele CA161963412.
Genomic context (GRCh38, chr7:93,135,583, plus strand): 5'-TGTTTAGCATTTGCTACTTCATCTAACACATTTTCTTTCATAAGAATTGATTCTTCTTGT[T>C]TGATATCTCTGATCTCTCTGGGATCATAATCAATATTAGATGACATTGAATTTTCTTCTT-3'
Protein context (NP_689916.2, residues 120-140): DYDPREIRDI[Lys130Arg]QEESILMKEN

ClinVar aggregate classification (germline): Uncertain significance. Review status: criteria provided, multiple submitters, no conflicts (2 of 4 stars). 4 submissions from 4 submitters: Uncertain significance (4). Last evaluated 2025-12-01.

Conditions:
Inborn genetic diseases. Identifiers: MedGen C0950123, MeSH D030342.
SAMD9L-related disorder. Also called: SAMD9L-related condition; SAMD9L-related disorders.

Allele frequency attached by ClinVar (database versions not stated): gnomAD 0.00001; TOPMed 0.00001.

Submissions (4):

Labcorp Genetics (formerly Invitae), Labcorp
Classification: Uncertain significance. Last evaluated: 2025-12-01. Review status: criteria provided, single submitter. Criteria: Invitae Variant Classification Sherloc (09022015). Collection method: clinical testing. Allele origin: germline.
Comment: This sequence change replaces lysine, which is basic and polar, with arginine, which is basic and polar, at codon 130 of the SAMD9L protein (p.Lys130Arg). This variant is not present in population databases (gnomAD no frequency). This variant has not been reported in the literature in individuals affected with SAMD9L-related conditions. ClinVar contains an entry for this variant (Variation ID: 2632598). An algorithm developed to predict the effect of missense changes on protein structure and function (PolyPhen-2) suggests that this variant is likely to be tolerated. In summary, the available evidence is currently insufficient to determine the role of this variant in disease. Therefore, it has been classified as a Variant of Uncertain Significance.

Ambry Genetics
Classification: Uncertain significance for Inborn genetic diseases. Last evaluated: 2024-11-28. Review status: criteria provided, single submitter. Criteria: Ambry Variant Classification Scheme 2023. Collection method: clinical testing. Allele origin: germline.
Comment: The p.K130R variant (also known as c.389A>G), located in coding exon 1 of the SAMD9L gene, results from an A to G substitution at nucleotide position 389. The lysine at codon 130 is replaced by arginine, an amino acid with highly similar properties. This amino acid position is conserved. In addition, this alteration is predicted to be tolerated by in silico analysis. Based on the available evidence, the clinical significance of this variant remains unclear.

GeneDx
Classification: Uncertain significance. Last evaluated: 2024-02-09. Review status: criteria provided, single submitter. Criteria: GeneDx Variant Classification Process June 2021. Collection method: clinical testing. Allele origin: germline. Affected: yes.
Comment: Not observed at significant frequency in large population cohorts (gnomAD); In silico analysis supports that this missense variant does not alter protein structure/function; Has not been previously published as pathogenic or benign to our knowledge

PreventionGenetics, part of Exact Sciences
Classification: Uncertain significance for SAMD9L-related condition. Last evaluated: 2023-05-31. Review status: criteria provided, single submitter. Criteria: ACMG Guidelines, 2015. Collection method: clinical testing. Allele origin: germline.
Comment: The SAMD9L c.389A>G variant is predicted to result in the amino acid substitution p.Lys130Arg. To our knowledge, this variant has not been reported in the literature or in a large population database, indicating this variant is rare. At this time, the clinical significance of this variant is uncertain due to the absence of conclusive functional and genetic evidence.